The following is an entry in ClinVar:

NM_005378.6(MYCN):c.612C>T (p.Pro204=)

Gene: MYCN (MYCN proto-oncogene, bHLH transcription factor; plus strand). Cytogenetic location: 2p24.3.
Variant type: single nucleotide variant.
Coding change: c.612C>T on transcript NM_005378.6 (MANE Select); coding-DNA position 612, C replaced by T.
Protein change: p.Pro204=; no amino-acid change (proline 204 retained).
Molecular consequence: synonymous variant. On other transcripts: 3 prime UTR variant (1), intron variant (1).
Genome position (GRCh38, 1-based): chr2:15,942,676, C>T. VCF-style: chr2-15942676-C-T. GRCh37 (hg19) VCF-style: chr2-16082798-C-T.
Other names: c.612C>T, p.Pro204= (NM_001293228.2); c.*547C>T (NM_001293233.2); c.157+1933C>T (NM_001293231.2).
Identifiers: ClinVar variation 1564664 (VCV001564664.15), dbSNP rs767651526, ClinGen allele CA1538199.

ClinVar aggregate classification (germline): Likely benign. Review status: criteria provided, multiple submitters, no conflicts (2 of 4 stars). 3 submissions from 3 submitters: Likely benign (3). Last evaluated 2026-01-12.

Conditions:
Feingold syndrome type 1 (FGLDS1). Also called: MICROCEPHALY AND DIGITAL ABNORMALITIES WITH NORMAL INTELLIGENCE; MICROCEPHALY, MENTAL RETARDATION, AND TRACHEOESOPHAGEAL FISTULA SYNDROME; MICROCEPHALY-OCULO-DIGITO-ESOPHAGEAL-DUODENAL SYNDROME; OCULODIGITOESOPHAGODUODENAL SYNDROME; ODED SYNDROME. Identifiers: Orphanet 1305, Orphanet 391641, MedGen C4551774, MONDO:0008115, OMIM 164280.

Allele frequency attached by ClinVar (database versions not stated): gnomAD 0.00002; TOPMed 0.00004; ExAC 0.00010.
gnomAD v4.1: 6 of 1,176,606 alleles (0.00051%); highest among the groups gnomAD compares: Admixed American, 0.022%; no homozygotes.

Submissions (3):

Labcorp Genetics (formerly Invitae), Labcorp
Classification: Likely benign. Last evaluated: 2026-01-12. Review status: criteria provided, single submitter. Criteria: Invitae Variant Classification Sherloc (09022015). Collection method: clinical testing. Allele origin: germline.

CeGaT Center for Human Genetics Tuebingen
Classification: Likely benign. Last evaluated: 2025-11-01. Review status: criteria provided, single submitter. Criteria: CeGaT Center For Human Genetics Tuebingen Variant Classification Criteria Version 2. Collection method: clinical testing. Allele origin: germline. Affected: yes. Observed: 1 variant allele.
Comment: MYCN: BP4, BP7

Fulgent Genetics
Classification: Likely benign for Feingold syndrome type 1. Last evaluated: 2021-09-30. Review status: criteria provided, single submitter. Criteria: ACMG Guidelines, 2015. Collection method: clinical testing. Allele origin: unknown.